The following is an entry in ClinVar:

ClinVar aggregate classification (germline): Uncertain significance (1 of 4 stars; one submission).

Conditions:
Townes syndrome (TBS). Also called: Townes-Brocks syndrome. Identifiers: Orphanet 857, MedGen C0265246, MeSH C536974, MONDO:0007142.

gnomAD v4.1: 3 of 1,614,190 alleles (0.00019%); highest among the groups gnomAD compares: South Asian, 0.0022%; no homozygotes.

Submission:

Labcorp Genetics (formerly Invitae), Labcorp
Classification: Uncertain significance for Townes syndrome. Last evaluated: 2024-06-25. Review status: criteria provided, single submitter. Criteria: Invitae Variant Classification Sherloc (09022015). Collection method: clinical testing. Allele origin: germline.
Comment: This sequence change replaces valine, which is neutral and non-polar, with isoleucine, which is neutral and non-polar, at codon 780 of the SALL1 protein (p.Val780Ile). This variant is present in population databases (rs748725958, gnomAD 0.007%). This variant has not been reported in the literature in individuals affected with SALL1-related conditions. This missense change has been observed in at least one individual who was not affected with SALL1-related conditions (Invitae). Advanced modeling of protein sequence and biophysical properties (such as structural, functional, and spatial information, amino acid conservation, physicochemical variation, residue mobility, and thermodynamic stability) performed at Invitae indicates that this missense variant is expected to disrupt SALL1 protein function with a positive predictive value of 80%. In summary, the available evidence is currently insufficient to determine the role of this variant in disease. Therefore, it has been classified as a Variant of Uncertain Significance.

NM_002968.3(SALL1):c.2338G>A (p.Val780Ile)

Gene: SALL1 (spalt like transcription factor 1; minus strand). Cytogenetic location: 16q12.1.
Variant type: single nucleotide variant.
Coding change: c.2338G>A on transcript NM_002968.3 (MANE Select); coding-DNA position 2338, G replaced by A.
Protein change: p.Val780Ile; replaces valine 780 with isoleucine.
Molecular consequence: missense variant.
Genome position (GRCh38, 1-based): chr16:51,139,884, C>T on the plus strand (G>A on the coding strand, the complement: SALL1 is on the minus strand). VCF-style: chr16-51139884-C-T. GRCh37 (hg19) VCF-style: chr16-51173795-C-T.
Other names: c.2047G>A, p.Val683Ile (NM_001127892.2); short protein forms V683I, V780I.
Identifiers: ClinVar variation 3605512 (VCV003605512.2).